The following is an entry in ClinVar:

NM_001349253.2(SCN11A):c.3077G>A (p.Cys1026Tyr)

Gene: SCN11A (sodium voltage-gated channel alpha subunit 11; minus strand). Cytogenetic location: 3p22.2.
Variant type: single nucleotide variant.
Coding change: c.3077G>A on transcript NM_001349253.2 (MANE Select); coding-DNA position 3077, G replaced by A.
Protein change: p.Cys1026Tyr; replaces cysteine 1026 with tyrosine.
Molecular consequence: missense variant.
Genome position (GRCh38, 1-based): chr3:38,883,375, C>T on the plus strand (G>A on the coding strand, the complement: SCN11A is on the minus strand). VCF-style: chr3-38883375-C-T. GRCh37 (hg19) VCF-style: chr3-38924866-C-T.
Other names: c.3077G>A, p.Cys1026Tyr (NM_014139.3); short protein forms C1026Y.
Identifiers: ClinVar variation 1485784 (VCV001485784.8), dbSNP rs2126106744, ClinGen allele CA352173296.
Genomic context (GRCh38, chr3:38,883,375, plus strand): 5'-CGCAGGTTCCACCAAATGACCCAGGGAGGCTTTCTCTTGTCCACGCTACAGCATGGAAAG[C>T]AGCAACCAAAGCCTGAAAGGAATTAATGGTAGCACTATCATTAGTGTCTGTAATAAACTG-3'
Protein context (NP_001336182.1, residues 1016-1036): ERCLPKGFGC[Cys1026Tyr]FPCCSVDKRK

ClinVar aggregate classification (germline): Uncertain significance (1 of 4 stars; one submission).

Conditions:
Hereditary sensory and autonomic neuropathy type 7. Also called: HSAN VII; Neuropathy, hereditary sensory and autonomic, type VII. Identifiers: Orphanet 391397, MedGen C3809882, MONDO:0014244, OMIM 615548.
Familial episodic pain syndrome with predominantly lower limb involvement. Also called: Episodic pain syndrome, familial, 3. Identifiers: Orphanet 391384, Orphanet 391392, MedGen C3809899, MONDO:0014247, OMIM 615552.

Submission:

Labcorp Genetics (formerly Invitae), Labcorp
Classification: Uncertain significance for Familial episodic pain syndrome with predominantly lower limb involvement; Hereditary sensory and autonomic neuropathy type 7. Last evaluated: 2020-11-06. Review status: criteria provided, single submitter. Criteria: Invitae Variant Classification Sherloc (09022015). Collection method: clinical testing. Allele origin: germline.
Comment: This sequence change replaces cysteine with tyrosine at codon 1026 of the SCN11A protein (p.Cys1026Tyr). The cysteine residue is moderately conserved and there is a large physicochemical difference between cysteine and tyrosine. In summary, the available evidence is currently insufficient to determine the role of this variant in disease. Therefore, it has been classified as a Variant of Uncertain Significance. Algorithms developed to predict the effect of missense changes on protein structure and function output the following: SIFT: "Tolerated"; PolyPhen-2: "Benign"; Align-GVGD: "Class C0". The tyrosine amino acid residue is found in multiple mammalian species, suggesting that this missense change does not adversely affect protein function. These predictions have not been confirmed by published functional studies and their clinical significance is uncertain. This variant has not been reported in the literature in individuals with SCN11A-related conditions. This variant is not present in population databases (ExAC no frequency).